The following is an entry in ClinVar:

ClinVar aggregate classification (germline): Uncertain significance (1 of 4 stars; one submission).

Conditions:
Gastrointestinal stromal tumor. Also called: Gastrointestinal stroma tumor; Gastrointestinal stromal tumor, somatic. Identifiers: Orphanet 44890, MedGen C0238198, MeSH D046152, MONDO:0011719, OMIM 606764, HP:0100723.

Submission:

Labcorp Genetics (formerly Invitae), Labcorp
Classification: Uncertain significance for Gastrointestinal stromal tumor. Last evaluated: 2017-04-18. Review status: criteria provided, single submitter. Criteria: Invitae Variant Classification Sherloc (09022015). Collection method: clinical testing. Allele origin: germline.
Comment: This variant is not present in population databases (ExAC no frequency) and has not been reported in the literature in individuals with a PDGFRA-related disease. This sequence change replaces methionine with leucine at codon 302 of the PDGFRA protein (p.Met302Leu). The methionine residue is weakly conserved and there is a small physicochemical difference between methionine and leucine. In summary, this variant is a novel missense change that is not predicted to affect protein function. There is no indication that it causes disease, but the available evidence is currently insufficient to prove that conclusively. Therefore, it has been classified as a Variant of Uncertain Significance. Algorithms developed to predict the effect of missense changes on protein structure and function (SIFT, PolyPhen-2, Align-GVGD) all suggest that this variant is likely to be tolerated, but these predictions have not been confirmed by published functional studies.

NM_006206.6(PDGFRA):c.904A>T (p.Met302Leu)

Gene: PDGFRA (platelet derived growth factor receptor alpha; plus strand). Cytogenetic location: 4q12.
Variant type: single nucleotide variant.
Coding change: c.904A>T on transcript NM_006206.6 (MANE Select); coding-DNA position 904, A replaced by T.
Protein change: p.Met302Leu; replaces methionine 302 with leucine.
Molecular consequence: missense variant.
Genome position (GRCh38, 1-based): chr4:54,267,433, A>T. VCF-style: chr4-54267433-A-T. GRCh37 (hg19) VCF-style: chr4-55133600-A-T.
Other names: c.904A>T, p.Met302Leu (NM_001347827.2, NM_001347829.2); c.979A>T, p.Met327Leu (NM_001347828.2); c.943A>T, p.Met315Leu (NM_001347830.2); short protein forms M302L, M315L, M327L.
Identifiers: ClinVar variation 459127 (VCV000459127.9), dbSNP rs1060501512, ClinGen allele CA356891354.